The following is an entry in ClinVar:

ClinVar aggregate classification (germline): Uncertain significance. Review status: criteria provided, multiple submitters, no conflicts (2 of 4 stars). 3 submissions from 3 submitters: Uncertain significance (3). Last evaluated 2026-07-21.

Conditions:
CHARGE syndrome (CHARGE). Also called: Hittner Hirsch Kreh syndrome; Coloboma, heart anomaly, choanal atresia, retardation, genital and ear anomalies; CHARGE association; Hall-Hittner syndrome; CHARGE ASSOCIATION--COLOBOMA, HEART ANOMALY, CHOANAL ATRESIA, RETARDATION, GENITAL AND EAR ANOMALIES. Identifiers: Orphanet 138, MedGen C0265354, MONDO:0008965.
CHD7-related CHARGE syndrome. Identifiers: MedGen CN380413, MONDO:1010178, OMIM 214800.

Allele frequency attached by ClinVar (database versions not stated): gnomAD exomes below 0.00001.

Submissions (3):

Victorian Clinical Genetics Services, Murdoch Childrens Research Institute
Classification: Uncertain significance for CHD7-related CHARGE syndrome. Last evaluated: 2026-07-21. Review status: criteria provided, single submitter. Criteria: ACMG Guidelines, 2015. Collection method: clinical testing. Allele origin: germline. Affected: yes.
Comment: This variant is classified as VUS-3C. Evidence in support of pathogenic classification: Missense variant predicted to be damaging by in silico tool(s) and/or highly conserved with a major amino acid change; Evidence in support of benign classification: Population frequency for this variant is out of keeping with known incidence of CHARGE syndrome. Additional information: This variant is predicted to result in a missense amino acid change from Lys to Arg; This variant is heterozygous; This gene is associated with autosomal dominant disease; Previous evidence of pathogenicity for this variant is inconclusive. It has been classified as VUS by clinical laboratories in ClinVar; No published evidence of segregation with disease has been identified for this variant; No published functional evidence has been identified for this variant; No comparable variants have previous evidence for pathogenicity; Variant is a ubiquitinated lysine in the SNF2 family N-terminal domain (PDB); Loss of function is a known mechanism of disease in this gene and is associated with CHARGE syndrome (MIM#214800) and hypogonadotropic hypogonadism 5 with or without anosmia (MIM#612370); Variants in this gene are known to have variable expressivity (PMID: 20301296).

3billion
Classification: Uncertain significance for CHD7-related CHARGE syndrome. Last evaluated: 2025-12-01. Review status: criteria provided, single submitter. Criteria: ACMG Guidelines, 2015. Collection method: clinical testing. Allele origin: germline. Affected: yes.
Comment: The variant is observed at an extremely low frequency in the gnomAD v4.1.0 dataset (total allele frequency: <0.001%). Predicted Consequence/Location: Missense variant In silico tool predictions suggest damaging effect of the variant on gene or gene product [REVEL: 0.81 (>=0.6, sensitivity 0.68 and specificity 0.92)]. The variant has been reported as of uncertain significance (ClinVar ID: VCV000529137). Therefore, this variant is classified as VUS according to the recommendation of ACMG/AMP guideline.

Labcorp Genetics (formerly Invitae), Labcorp
Classification: Uncertain significance for CHARGE syndrome. Last evaluated: 2022-07-18. Review status: criteria provided, single submitter. Criteria: Invitae Variant Classification Sherloc (09022015). Collection method: clinical testing. Allele origin: germline.
Comment: Advanced modeling of protein sequence and biophysical properties (such as structural, functional, and spatial information, amino acid conservation, physicochemical variation, residue mobility, and thermodynamic stability) performed at Invitae indicates that this missense variant is expected to disrupt CHD7 protein function. In summary, the available evidence is currently insufficient to determine the role of this variant in disease. Therefore, it has been classified as a Variant of Uncertain Significance. ClinVar contains an entry for this variant (Variation ID: 529137). This variant has not been reported in the literature in individuals affected with CHD7-related conditions. This variant is present in population databases (rs750214154, gnomAD 0.0009%). This sequence change replaces lysine, which is basic and polar, with arginine, which is basic and polar, at codon 1116 of the CHD7 protein (p.Lys1116Arg).

Literature cited by the submitters: PubMed 20301296 (cited by Victorian Clinical Genetics Services, Murdoch Childrens Research Institute).

NM_017780.4(CHD7):c.3347A>G (p.Lys1116Arg)

Gene: CHD7 (chromodomain helicase DNA binding protein 7; plus strand). Cytogenetic location: 8q12.2.
Variant type: single nucleotide variant.
Coding change: c.3347A>G on transcript NM_017780.4 (MANE Select); coding-DNA position 3347, A replaced by G.
Protein change: p.Lys1116Arg; replaces lysine 1116 with arginine.
Molecular consequence: missense variant. On other transcripts: intron variant (1).
Genome position (GRCh38, 1-based): chr8:60,823,985, A>G. VCF-style: chr8-60823985-A-G. GRCh37 (hg19) VCF-style: chr8-61736544-A-G.
Other names: c.1717-38244A>G (NM_001316690.1); short protein forms K1116R.
Identifiers: ClinVar variation 529137 (VCV000529137.11), dbSNP rs750214154, ClinGen allele CA177335738.
Genomic context (GRCh38, chr8:60,823,985, plus strand): 5'-ATATTCCATGGCGCTGTGTAGTCATTGATGAAGCCCACAGGCTGAAGAACAGGAACTGCA[A>G]GCTGTTGGAGGGACTCAAGATGATGGACTTGGTCAGTGACCATATTGGTGATTGCACTGA-3'
Protein context (NP_060250.2, residues 1106-1126): EAHRLKNRNC[Lys1116Arg]LLEGLKMMDL